The following is an entry in ClinVar:

ClinVar aggregate classification (germline): Uncertain significance (1 of 4 stars; one submission).

Conditions:
Neuropathy, hereditary sensory and autonomic, type 2A (HSAN2A). Also called: HSAN IIA; MORVAN DISEASE; NEUROPATHY, CONGENITAL SENSORY; NEUROPATHY, HEREDITARY SENSORY RADICULAR, AUTOSOMAL RECESSIVE; NEUROPATHY, HEREDITARY SENSORY, TYPE IIA; NEUROPATHY, PROGRESSIVE SENSORY, OF CHILDREN. Identifiers: Orphanet 970, MedGen C2752089, MONDO:0024309, OMIM 201300.
Generalized epilepsy with febrile seizures plus, type 7 (GEFSP7). Also called: GEFS+, TYPE 7. Identifiers: Orphanet 36387, MedGen C2751778, MONDO:0013470, OMIM 613863.

Allele frequency attached by ClinVar (database versions not stated): ExAC 0.00002.
gnomAD v4.1: 4 of 1,613,310 alleles (0.00025%); highest among the groups gnomAD compares: East Asian, 0.0089%; no homozygotes.

Submission:

Labcorp Genetics (formerly Invitae), Labcorp
Classification: Uncertain significance for Neuropathy, hereditary sensory and autonomic, type 2A; Generalized epilepsy with febrile seizures plus, type 7. Last evaluated: 2024-08-31. Review status: criteria provided, single submitter. Criteria: Invitae Variant Classification Sherloc (09022015). Collection method: clinical testing. Allele origin: germline.
Comment: This sequence change replaces glycine, which is neutral and non-polar, with serine, which is neutral and polar, at codon 1038 of the SCN9A protein (p.Gly1038Ser). This variant is present in population databases (rs749888741, gnomAD 0.01%). This variant has not been reported in the literature in individuals affected with SCN9A-related conditions. ClinVar contains an entry for this variant (Variation ID: 1023125). Invitae Evidence Modeling of protein sequence and biophysical properties (such as structural, functional, and spatial information, amino acid conservation, physicochemical variation, residue mobility, and thermodynamic stability) indicates that this missense variant is not expected to disrupt SCN9A protein function with a negative predictive value of 95%. In summary, the available evidence is currently insufficient to determine the role of this variant in disease. Therefore, it has been classified as a Variant of Uncertain Significance.

NM_001365536.1(SCN9A):c.3145G>A (p.Gly1049Ser)

Genes: SCN9A (sodium voltage-gated channel alpha subunit 9; minus strand), SCN1A-AS1 (SCN1A and SCN9A antisense RNA 1; plus strand). Cytogenetic location: 2q24.3.
Variant type: single nucleotide variant.
Coding change: c.3145G>A on transcript NM_001365536.1 (MANE Select); coding-DNA position 3145, G replaced by A.
Protein change: p.Gly1049Ser; replaces glycine 1049 with serine.
Molecular consequence: missense variant.
Genome position (GRCh38, 1-based): chr2:166,272,605, C>T on the plus strand (G>A on the coding strand, the complement: SCN9A is on the minus strand). VCF-style: chr2-166272605-C-T. GRCh37 (hg19) VCF-style: chr2-167129115-C-T.
Other names: c.3112G>A, p.Gly1038Ser (NM_002977.4); short protein forms G1038S, G1049S.
Identifiers: ClinVar variation 1023125 (VCV001023125.9), dbSNP rs749888741, ClinGen allele CA1944132.